The following is an entry in ClinVar:

NM_152730.6(TBC1D32):c.2699G>T (p.Trp900Leu)

Gene: TBC1D32 (TBC1 domain family member 32; minus strand). Cytogenetic location: 6q22.31.
Variant type: single nucleotide variant.
Coding change: c.2699G>T on transcript NM_152730.6 (MANE Select); coding-DNA position 2699, G replaced by T.
Protein change: p.Trp900Leu; replaces tryptophan 900 with leucine.
Molecular consequence: missense variant. On other transcripts: non-coding transcript variant (1).
Genome position (GRCh38, 1-based): chr6:121,160,084, C>A on the plus strand (G>T on the coding strand, the complement: TBC1D32 is on the minus strand). VCF-style: chr6-121160084-C-A. GRCh37 (hg19) VCF-style: chr6-121481230-C-A.
Other names: c.2822G>T, p.Trp941Leu (NM_001367759.1, NM_001367760.1); short protein forms W941L, W900L.
Identifiers: ClinVar variation 2120267 (VCV002120267.4), dbSNP rs2534430545, ClinGen allele CA365468547.
Genomic context (GRCh38, chr6:121,160,084, plus strand): 5'-GCATTTCTTGTAATGTCTGACAGATAGCAGTTTGGCAATGGATATGATGAAAACATTGGC[C>A]AAGGATATGGATTATCACTCTAAAAAAGAAGCAAGACAGATGACTTTAGGAAGTGGTCTA-3'
Protein context (NP_689943.4, residues 890-910): LLEKSDNPYP[Trp900Leu]PMFSSYPLPN

ClinVar aggregate classification (germline): Uncertain significance (1 of 4 stars; one submission).

Allele frequency attached by ClinVar (database versions not stated): gnomAD exomes below 0.00001.
gnomAD v4.1: 1 of 1,603,296 alleles (0.000062%); highest among the groups gnomAD compares: Non-Finnish European, 0.000085%; no homozygotes.

Submission:

Labcorp Genetics (formerly Invitae), Labcorp
Classification: Uncertain significance. Last evaluated: 2022-10-05. Review status: criteria provided, single submitter. Criteria: Invitae Variant Classification Sherloc (09022015). Collection method: clinical testing. Allele origin: germline.
Comment: In summary, the available evidence is currently insufficient to determine the role of this variant in disease. Therefore, it has been classified as a Variant of Uncertain Significance. Algorithms developed to predict the effect of missense changes on protein structure and function (SIFT, PolyPhen-2, Align-GVGD) all suggest that this variant is likely to be disruptive. This variant has not been reported in the literature in individuals affected with TBC1D32-related conditions. This variant is not present in population databases (gnomAD no frequency). This sequence change replaces tryptophan, which is neutral and slightly polar, with leucine, which is neutral and non-polar, at codon 900 of the TBC1D32 protein (p.Trp900Leu).